The following is an entry in ClinVar:

NM_006030.4(CACNA2D2):c.2046A>G (p.Arg682=)

Gene: CACNA2D2 (calcium voltage-gated channel auxiliary subunit alpha2delta 2; minus strand). Cytogenetic location: 3p21.31.
Variant type: single nucleotide variant.
Coding change: c.2046A>G on transcript NM_006030.4 (MANE Select); coding-DNA position 2046, A replaced by G.
Protein change: p.Arg682=; no amino-acid change (arginine 682 retained).
Molecular consequence: synonymous variant.
Genome position (GRCh38, 1-based): chr3:50,368,235, T>C on the plus strand (A>G on the coding strand, the complement: CACNA2D2 is on the minus strand). VCF-style: chr3-50368235-T-C. GRCh37 (hg19) VCF-style: chr3-50405666-T-C.
Other names: c.2046A>G, p.Arg682= (NM_001005505.3); c.2067A>G, p.Arg689= (NM_001174051.3); c.1839A>G, p.Arg613= (NM_001291101.1).
Identifiers: ClinVar variation 1008434 (VCV001008434.6), dbSNP rs1240659762, ClinGen allele CA433687160.
Genomic context (GRCh38, chr3:50,368,235, plus strand): 5'-AATAAAGTTTTTCAGGAACTCGGTGTTGTTGTCTGAGGCATTCAGGTCCTTGCAGTACTC[T>C]CTAGGGATGGGGAGGGGCAAGAAGAGTGGGCTTGGGGGGCTGGACAGGGCAATGGGGTCA-3'
Protein context (NP_006021.2, residues 672-692): ESEGHVFIAP[Arg682=]EYCKDLNASD

ClinVar aggregate classification (germline): Uncertain significance (1 of 4 stars; one submission).

Conditions:
Early-infantile DEE. Also called: Early infantile epileptic encephalopathy with suppression bursts; Early infantile epileptic encephalopathy; Ohtahara syndrome. Identifiers: Orphanet 1934, MedGen C0393706, MONDO:0800491.

Allele frequency attached by ClinVar (database versions not stated): TOPMed below 0.00001; gnomAD 0.00001.

Submission:

Labcorp Genetics (formerly Invitae), Labcorp
Classification: Uncertain significance for Early-infantile DEE. Last evaluated: 2020-06-21. Review status: criteria provided, single submitter. Criteria: Invitae Variant Classification Sherloc (09022015). Collection method: clinical testing. Allele origin: germline.
Comment: In summary, the available evidence is currently insufficient to determine the role of this variant in disease. Therefore, it has been classified as a Variant of Uncertain Significance. This sequence change affects codon 682 of the CACNA2D2 mRNA. It is a 'silent' change, meaning that it does not change the encoded amino acid sequence of the CACNA2D2 protein. This variant is not present in population databases (ExAC no frequency). This variant has not been reported in the literature in individuals with CACNA2D2-related conditions. Algorithms developed to predict the effect of sequence changes on RNA splicing suggest that this variant is not likely to affect RNA splicing, but this prediction has not been confirmed by published transcriptional studies.